The following is an entry in ClinVar:

ClinVar aggregate classification (germline): Pathogenic. Review status: reviewed by expert panel (3 of 4 stars). 2 submissions from 2 submitters: Pathogenic (1). 1 of the submissions does not count toward it. Last evaluated 2020-09-06.

Conditions:
Platelet-type bleeding disorder 16 (BDPLT16). Also called: Bleeding disorder, platelet-type, 16, autosomal dominant. Identifiers: Orphanet 140957, MedGen C5442010, MONDO:0008552, OMIM 187800.
Glanzmann thrombasthenia 1 (GT1). Also called: BLEEDING DISORDER, PLATELET-TYPE, 2; GP IIb-IIIa COMPLEX DEFICIENCY; GLYCOPROTEIN COMPLEX IIb-IIIa DEFICIENCY; PLATELET FIBRINOGEN RECEPTOR DEFICIENCY. Identifiers: MedGen CN300358, MONDO:0031332, OMIM 273800.
Glanzmann thrombasthenia. Also called: THROMBASTHENIA OF GLANZMANN AND NAEGELI; Thrombasthenia; Glanzmann's thrombasthenia; PLATELET GLYCOPROTEIN IIb-IIIa DEFICIENCY. Identifiers: Orphanet 849, MedGen C0040015, MONDO:0100326.

Submissions (2):

ClinGen Platelet Disorders Variant Curation Expert Panel, ClinGen
Classification: Pathogenic for Glanzmann thrombasthenia. Last evaluated: 2020-09-06. Review status: reviewed by expert panel. Criteria: ClinGen Platelet ACMG Specifications v2. Collection method: curation. Allele origin: germline. Inheritance: Autosomal recessive inheritance.
Comment: The NM_000419.4:c.291del causes a frameshift which generates a premature stop codon in exon 3 of 30, and is predicted to result in NMD. In-vitro studies show absent integrin expression on the cell surface (PMID: 11091187). At least 4 homozygous affected individuals, of the same family, with this variant have been reported in the literature (PMID: 11091187). The variant is absent from all populations in gnomAD, 1000 Genomes, and ESP. In summary, based on the evidence available at this time, the variant is classified as pathogenic. GT-specific criteria applied: PVS1, PS3_supporting, PM2_supporting, PM3_supporting, PP1_strong, PP4_moderate.

Fulgent Genetics
Classification: Pathogenic for Platelet-type bleeding disorder 16; Glanzmann thrombasthenia 1. Last evaluated: 2024-02-26. Review status: criteria provided, single submitter. Criteria: ACMG Guidelines, 2015. Collection method: clinical testing. Allele origin: germline. Not counted in ClinVar's aggregate classification.

Literature cited by the submitters: PubMed 11091187 (cited by ClinGen Platelet Disorders Variant Curation Expert Panel, ClinGen).

NM_000419.5(ITGA2B):c.291del (p.Ser98fs)

Gene: ITGA2B (integrin subunit alpha 2b; minus strand). Cytogenetic location: 17q21.31.
Variant type: Deletion.
Coding change: c.291del on transcript NM_000419.5 (MANE Select); coding-DNA position 291, one base deleted (C; older notation c.291delC).
Protein change: p.Ser98fs; shifts the reading frame from serine 98.
Molecular consequence: frameshift variant.
Genome position (GRCh38, 1-based): chr17:44,386,029, G deleted on the plus strand (C on the coding strand, the reverse complement: ITGA2B is on the minus strand); the first of 4 consecutive G bases (chr17:44,386,029-44,386,032); deleting any one gives the same sequence. VCF-style (leftmost placement, unchanged base first): chr17-44386028-AG-A. GRCh37 (hg19) VCF-style: chr17-42463396-AG-A.
Other names: short protein forms S98fs.
Identifiers: ClinVar variation 953034 (VCV000953034.4), dbSNP rs2048645725, ClinGen allele CA915940464.